The following is an entry in ClinVar:

ClinVar aggregate classification (germline): Pathogenic (1 of 4 stars; one submission).

Submission:

Labcorp Genetics (formerly Invitae), Labcorp
Classification: Pathogenic. Last evaluated: 2023-03-28. Review status: criteria provided, single submitter. Criteria: Invitae Variant Classification Sherloc (09022015). Collection method: clinical testing. Allele origin: unknown.
Comment: For these reasons, this variant has been classified as Pathogenic. This variant has not been reported in the literature in individuals affected with MED17-related conditions. This variant is a gross deletion of the genomic region encompassing exon(s) 4-9 of the MED17 gene. This deletion is out-of-frame, and is expected to create a premature termination codon and result in an absent or disrupted protein product. Loss-of-function variants in MED17 are known to be pathogenic (PMID: 20950787, 26004231, 30345598).

Literature cited by the submitters: PubMed 20950787; PubMed 26004231; PubMed 30345598.

NC_000011.9:g.(?_93526874)_(93535158_?)del

Gene: MED17 (mediator complex subunit 17; plus strand). Cytogenetic location: 11q21.
Variant type: Deletion.
Identifiers: ClinVar variation 3244757 (VCV003244757.1).